The following is an entry in ClinVar:

NM_001252024.2(TRPM1):c.161G>A (p.Ser54Asn)

Gene: TRPM1 (transient receptor potential cation channel subfamily M member 1; minus strand). Cytogenetic location: 15q13.3.
Variant type: single nucleotide variant.
Coding change: c.161G>A on transcript NM_001252024.2 (MANE Select); coding-DNA position 161, G replaced by A.
Protein change: p.Ser54Asn; replaces serine 54 with asparagine.
Molecular consequence: missense variant.
Genome position (GRCh38, 1-based): chr15:31,070,149, C>T on the plus strand (G>A on the coding strand, the complement: TRPM1 is on the minus strand). VCF-style: chr15-31070149-C-T. GRCh37 (hg19) VCF-style: chr15-31362352-C-T.
Other names: c.212G>A, p.Ser71Asn (NM_001252020.2); c.95G>A, p.Ser32Asn (NM_001252030.2, NM_002420.6); short protein forms S32N, S54N, S71N.
Identifiers: ClinVar variation 196343 (VCV000196343.23), dbSNP rs2241493, ClinGen allele CA202314.

ClinVar aggregate classification (germline): Benign. Review status: criteria provided, multiple submitters, no conflicts (2 of 4 stars). 7 submissions from 7 submitters: Benign (7). Last evaluated 2026-02-04.

Conditions:
Congenital stationary night blindness 1C. Also called: Night blindness, congenital stationary (complete), 1C, autosomal recessive. Identifiers: Orphanet 215, MedGen C2750747, MONDO:0013183, OMIM 613216.

Allele frequency attached by ClinVar (database versions not stated): 1000 Genomes Project 0.79093; ESP Exome Variant Server 0.79264; 1000 Genomes Project 30x 0.79622; gnomAD 0.79815 and 0.79957; ExAC 0.79905; gnomAD exomes 0.80618 and 0.80785; TOPMed 0.80649.
gnomAD v4.1: 1,301,859 of 1,613,992 alleles (81%); highest among the groups gnomAD compares: East Asian, 91%; 527,388 homozygotes.

Submissions (7):

Labcorp Genetics (formerly Invitae), Labcorp
Classification: Benign. Last evaluated: 2026-02-04. Review status: criteria provided, single submitter. Criteria: Invitae Variant Classification Sherloc (09022015). Collection method: clinical testing. Allele origin: germline.

Blueprint Genetics
Classification: Benign. Last evaluated: 2024-11-28. Review status: criteria provided, single submitter. Criteria: ACMG Guidelines, 2015. Collection method: clinical testing. Allele origin: germline.

Genome-Nilou Lab
Classification: Benign for Congenital stationary night blindness 1C. Last evaluated: 2021-09-10. Review status: criteria provided, single submitter. Criteria: ACMG Guidelines, 2015. Collection method: clinical testing. Allele origin: germline. Affected: no.

Illumina Laboratory Services, Illumina
Classification: Benign for Congenital stationary night blindness 1C. Last evaluated: 2018-01-13. Review status: criteria provided, single submitter. Criteria: ICSL Variant Classification Criteria 13 December 2019. Collection method: clinical testing. Allele origin: germline.
Comment: This variant was observed in the ICSL laboratory as part of a predisposition screen in an ostensibly healthy population. It had not been previously curated by ICSL or reported in the Human Gene Mutation Database (HGMD: prior to June 1st, 2018), and was therefore a candidate for classification through an automated scoring system. Utilizing variant allele frequency, disease prevalence and penetrance estimates, and inheritance mode, an automated score was calculated to assess if this variant is too frequent to cause the disease. Based on the score and internal cut-off values, a variant classified as benign is not then subjected to further curation. The score for this variant resulted in a classification of benign for this disease.

GeneDx
Classification: Benign. Last evaluated: 2015-03-03. Review status: criteria provided, single submitter. Criteria: GeneDx Variant Classification Process June 2021. Collection method: clinical testing. Allele origin: germline. Affected: yes.

Eurofins Ntd Llc (ga)
Classification: Benign. Last evaluated: 2014-08-25. Review status: criteria provided, single submitter. Criteria: EGL Classification Definitions 2015. Collection method: clinical testing. Allele origin: germline. Observed: 2 variant alleles, 1 heterozygote, 1 homozygote.

Breakthrough Genomics
Classification: Benign. Review status: criteria provided, single submitter. Criteria: ACMG Guidelines, 2015. Collection method: not provided. Allele origin: germline. Inheritance: Unknown mechanism. Affected: yes.